The following is an entry in ClinVar:

NM_017755.6(NSUN2):c.1137T>C (p.Ala379=)

Gene: NSUN2 (NOP2/Sun RNA methyltransferase 2; minus strand). Cytogenetic location: 5p15.31.
Variant type: single nucleotide variant.
Coding change: c.1137T>C on transcript NM_017755.6 (MANE Select); coding-DNA position 1137, T replaced by C.
Protein change: p.Ala379=; no amino-acid change (alanine 379 retained).
Molecular consequence: synonymous variant. On other transcripts: non-coding transcript variant (1).
Genome position (GRCh38, 1-based): chr5:6,611,044, A>G on the plus strand (T>C on the coding strand, the complement: NSUN2 is on the minus strand). VCF-style: chr5-6611044-A-G. GRCh37 (hg19) VCF-style: chr5-6611157-A-G.
Other names: c.1032T>C, p.Ala344= (NM_001193455.2).
Identifiers: ClinVar variation 4823107 (VCV004823107.4).

ClinVar aggregate classification (germline): Likely benign (1 of 4 stars; one submission).

gnomAD v4.1: 4 of 1,614,090 alleles (0.00025%); highest among the groups gnomAD compares: African/African-American, 0.0027%; no homozygotes.

Submission:

CeGaT Center for Human Genetics Tuebingen
Classification: Likely benign. Last evaluated: 2026-01-01. Review status: criteria provided, single submitter. Criteria: CeGaT Center For Human Genetics Tuebingen Variant Classification Criteria Version 2. Collection method: clinical testing. Allele origin: germline. Affected: yes. Observed: 1 variant allele.
Comment: NSUN2: BP4, BP7